The following is an entry in ClinVar:

NM_001378687.1(ATP2C1):c.668T>C (p.Val223Ala)

Gene: ATP2C1 (ATPase secretory pathway Ca2+ transporting 1; plus strand). Cytogenetic location: 3q22.1.
Variant type: single nucleotide variant.
Coding change: c.668T>C on transcript NM_001378687.1 (MANE Select); coding-DNA position 668, T replaced by C.
Protein change: p.Val223Ala; replaces valine 223 with alanine.
Molecular consequence: missense variant.
Genome position (GRCh38, 1-based): chr3:130,953,957, T>C. VCF-style: chr3-130953957-T-C. GRCh37 (hg19) VCF-style: chr3-130672801-T-C.
Other names: c.620T>C, p.Val207Ala (NM_001199184.3, NM_001378514.1, NM_001199183.2); c.668T>C, p.Val223Ala (NM_001199185.2, NM_001378512.1, NM_001378513.1 and 5 more transcripts); c.770T>C, p.Val257Ala (NM_001378511.1, NM_001199180.2, NM_001199181.3); c.653T>C, p.Val218Ala (NM_001199182.2); short protein forms V207A, V218A, V223A, V257A.
Identifiers: ClinVar variation 4281848 (VCV004281848.1).

ClinVar aggregate classification (germline): Uncertain significance (1 of 4 stars; one submission).

Submission:

GeneDx
Classification: Uncertain significance. Last evaluated: 2025-04-05. Review status: criteria provided, single submitter. Criteria: GeneDx Variant Classification Process June 2021. Collection method: clinical testing. Allele origin: germline. Affected: yes.
Comment: Not observed at significant frequency in large population cohorts (gnomAD); Missense variants in this gene are a common cause of disease and they are underrepresented in the general population; In silico analysis supports that this missense variant has a deleterious effect on protein structure/function; Has not been previously published as pathogenic or benign to our knowledge